The following is an entry in ClinVar:

ClinVar aggregate classification (germline): Uncertain significance (1 of 4 stars; one submission).

Conditions:
Emery-Dreifuss muscular dystrophy 4, autosomal dominant (EDMD4). Also called: EMERY-DREIFUSS MUSCULAR DYSTROPHY 4 WITH VARIABLE FEATURES. Identifiers: Orphanet 261, MedGen C2751807, MONDO:0013071, OMIM 612998.
Autosomal recessive ataxia, Beauce type. Also called: SYNE1 Deficiency; Spinocerebellar ataxia, autosomal recessive 8; ATAXIA, RECESSIVE, OF BEAUCE; SYNE1-Related Autosomal Recessive Cerebellar Ataxia. Identifiers: Orphanet 88644, MedGen C1853116, MONDO:0012549, OMIM 610743.

gnomAD v4.1: 1 of 1,614,176 alleles (0.000062%); highest among the groups gnomAD compares: Non-Finnish European, 0.000085%; no homozygotes.

Submission:

Labcorp Genetics (formerly Invitae), Labcorp
Classification: Uncertain significance for Emery-Dreifuss muscular dystrophy 4, autosomal dominant; Autosomal recessive ataxia, Beauce type. Last evaluated: 2022-09-27. Review status: criteria provided, single submitter. Criteria: Invitae Variant Classification Sherloc (09022015). Collection method: clinical testing. Allele origin: germline.
Comment: This sequence change replaces leucine, which is neutral and non-polar, with methionine, which is neutral and non-polar, at codon 8156 of the SYNE1 protein (p.Leu8156Met). This variant is not present in population databases (gnomAD no frequency). This variant has not been reported in the literature in individuals affected with SYNE1-related conditions. Algorithms developed to predict the effect of missense changes on protein structure and function (SIFT, PolyPhen-2, Align-GVGD) all suggest that this variant is likely to be tolerated. In summary, the available evidence is currently insufficient to determine the role of this variant in disease. Therefore, it has been classified as a Variant of Uncertain Significance.

NM_182961.4(SYNE1):c.24679C>A (p.Leu8227Met)

Gene: SYNE1 (spectrin repeat containing nuclear envelope protein 1; minus strand). Cytogenetic location: 6q25.2.
Variant type: single nucleotide variant.
Coding change: c.24679C>A on transcript NM_182961.4 (MANE Select); coding-DNA position 24679, C replaced by A.
Protein change: p.Leu8227Met; replaces leucine 8227 with methionine.
Molecular consequence: missense variant.
Genome position (GRCh38, 1-based): chr6:152,148,342, G>T on the plus strand (C>A on the coding strand, the complement: SYNE1 is on the minus strand). VCF-style: chr6-152148342-G-T. GRCh37 (hg19) VCF-style: chr6-152469477-G-T.
Other names: c.1285C>A, p.Leu429Met (NM_001347701.2); c.1144C>A, p.Leu382Met (NM_001347702.2); c.24466C>A, p.Leu8156Met (NM_033071.5); short protein forms L382M, L429M, L8227M, L8156M.
Identifiers: ClinVar variation 1978513 (VCV001978513.4), dbSNP rs1341230633, ClinGen allele CA366085473.